The following is an entry in ClinVar:

NM_001365902.3(NFIX):c.113_114delinsTT (p.Arg38Leu)

Gene: NFIX (nuclear factor I X; plus strand). Cytogenetic location: 19p13.13.
Variant type: Indel.
Coding change: c.113_114delinsTT on transcript NM_001365902.3 (MANE Select); coding-DNA positions 113 to 114, GC replaced by TT.
Protein change: p.Arg38Leu; replaces arginine 38 with leucine.
Molecular consequence: missense variant. On other transcripts: 5 prime UTR variant (1).
Genome position (GRCh38, 1-based): chr19:13,025,106-13,025,107, GC replaced by TT. VCF-style: chr19-13025106-GC-TT. GRCh37 (hg19) VCF-style: chr19-13135920-GC-TT.
Other names: c.137_138delinsTT, p.Arg46Leu (NM_001271043.2); c.89_90delinsTT, p.Arg30Leu (NM_001271044.3, NM_001378404.1); c.113_114delinsTT, p.Arg38Leu (NM_001365982.2, NM_002501.4); c.-29_-28delinsTT (NM_001365983.2); c.110_111delinsTT, p.Arg37Leu (NM_001365984.2, NM_001365985.2); c.161_162delinsTT, p.Arg54Leu (NM_001378405.1); c.137_138delGCinsTT (NM_001271043.2); short protein forms R30L, R46L, R38L, R37L, R54L.
Identifiers: ClinVar variation 546547 (VCV000546547.2), dbSNP rs1555696468, ClinGen allele CA658825110.
Genomic context (GRCh38, chr19:13,025,106, plus strand): 5'-CACTGCTGCCTCACGTCCGCGCTTTCTCCTACACCTGGTTCAACCTGCAGGCGCGGAAGC[GC>TT]AAGTACTTCAAGAAGCATGAAAAGCGGATGTCGAAGGACGAGGAGCGGGCGGTGAAGGAC-3'
Protein context (NP_001352831.1, residues 28-48): YTWFNLQARK[Arg38Leu]KYFKKHEKRM

ClinVar aggregate classification (germline): Uncertain significance (1 of 4 stars; one submission).

Submission:

GeneDx
Classification: Uncertain significance. Last evaluated: 2018-05-22. Review status: criteria provided, single submitter. Criteria: GeneDx Variant Classification (06012015). Collection method: clinical testing. Allele origin: germline. Affected: yes.
Comment: A variant of uncertain significance has been identified in the NFIX gene. The c.137_138delGCinsTT variant has not been published as a pathogenic variant, nor has it been reported as a benign variant to our knowledge. The c.137_138delGCinsTT variant is not observed in large population cohorts (Lek et al., 2016). The c.137_138delGCinsTT results in an in-frame deletion of an Arginine residue and the insertion of a single Leucine residue at amino acid position 46, denoted p.R46L. The R46L missense variant is a non-conservative amino acid substitution, which is likely to impact secondary protein structure as these residues differ in polarity, charge, size and/or other properties. In-silico analyses, including protein predictors and evolutionary conservation, support a deleterious effect. Based on the currently available information, it is unclear whether this variant is a pathogenic variant or a rare benign variant.